The following is an entry in ClinVar:

ClinVar aggregate classification (germline): Uncertain significance (1 of 4 stars; one submission).

gnomAD v4.1: 5 of 1,593,320 alleles (0.00031%); highest among the groups gnomAD compares: Middle Eastern, 0.017%; no homozygotes.

Submission:

GeneDx
Classification: Uncertain significance. Last evaluated: 2025-06-11. Review status: criteria provided, single submitter. Criteria: GeneDx Variant Classification Process June 2021. Collection method: clinical testing. Allele origin: germline. Affected: yes.
Comment: Not observed at significant frequency in large population cohorts (gnomAD); In silico analysis suggests that this missense variant does not alter protein structure/function; Has not been previously published as pathogenic or benign to our knowledge

NM_020800.3(IFT80):c.1424A>G (p.Asn475Ser)

Genes: IFT80 (intraflagellar transport 80; minus strand), TRIM59-IFT80 (TRIM59-IFT80 readthrough (NMD candidate); minus strand). Cytogenetic location: 3q25.33.
Variant type: single nucleotide variant.
Coding change: c.1424A>G on transcript NM_020800.3 (MANE Select); coding-DNA position 1424, A replaced by G.
Protein change: p.Asn475Ser; replaces asparagine 475 with serine.
Molecular consequence: missense variant. On other transcripts: non-coding transcript variant (3).
Genome position (GRCh38, 1-based): chr3:160,282,570, T>C on the plus strand (A>G on the coding strand, the complement: IFT80 is on the minus strand). VCF-style: chr3-160282570-T-C. GRCh37 (hg19) VCF-style: chr3-160000358-T-C.
Other names: c.1013A>G, p.Asn338Ser (NM_001190241.2, NM_001190242.2); short protein forms N338S, N475S.
Identifiers: ClinVar variation 4537675 (VCV004537675.1).
Genomic context (GRCh38, chr3:160,282,570, plus strand): 5'-CGTTTCACAGAAGTGATACAGAGATCTCTATTTTTATCAATGAAAGCAATTTTTCTATCA[T>C]TGGTAAGTCCTTTTTGATCCAGAGCAATTTCCAAGATTTCATTCTAAAATTTTTTTTAAA-3'
Protein context (NP_065851.1, residues 465-485): EIALDQKGLT[Asn475Ser]DRKIAFIDKN